The following is an entry in ClinVar:

ClinVar aggregate classification (germline): Uncertain significance. Review status: criteria provided, single submitter (1 of 4 stars). 2 submissions from 2 submitters: Uncertain significance (1). 1 of the submissions does not count toward it. Last evaluated 2024-12-24.

Conditions:
Congenital disorder of glycosylation type Ir (CDG1R). Also called: DDOST-congenital disorder of glycosylation. Identifiers: Orphanet 300536, MedGen C3281084, MONDO:0013789, OMIM 614507.

Allele frequency attached by ClinVar (database versions not stated): gnomAD 0.00003 and 0.00005; gnomAD exomes 0.00006 and 0.00015; TOPMed 0.00012; ExAC 0.00013; 1000 Genomes Project 30x 0.00047; 1000 Genomes Project 0.00060.
gnomAD v4.1: 94 of 1,614,144 alleles (0.0058%); highest among the groups gnomAD compares: East Asian, 0.19%; no homozygotes.

Submissions (2):

Labcorp Genetics (formerly Invitae), Labcorp
Classification: Uncertain significance for Congenital disorder of glycosylation type Ir. Last evaluated: 2024-12-24. Review status: criteria provided, single submitter. Criteria: Invitae Variant Classification Sherloc (09022015). Collection method: clinical testing. Allele origin: germline.
Comment: This sequence change replaces arginine, which is basic and polar, with glutamine, which is neutral and polar, at codon 396 of the DDOST protein (p.Arg396Gln). This variant is present in population databases (rs74526704, gnomAD 0.2%), and has an allele count higher than expected for a pathogenic variant. This missense change has been observed in individual(s) with clinical features of DDOST-related conditions (PMID: 34462534). ClinVar contains an entry for this variant (Variation ID: 295076). Invitae Evidence Modeling of protein sequence and biophysical properties (such as structural, functional, and spatial information, amino acid conservation, physicochemical variation, residue mobility, and thermodynamic stability) indicates that this missense variant is expected to disrupt DDOST protein function with a positive predictive value of 80%. Experimental studies have shown that this missense change does not substantially affect DDOST function (PMID: 37848450). In summary, the available evidence is currently insufficient to determine the role of this variant in disease. Therefore, it has been classified as a Variant of Uncertain Significance.

OMIM
Classification: Pathogenic for CONGENITAL DISORDER OF GLYCOSYLATION, TYPE Ir. Last evaluated: 2022-05-19. Review status: no assertion criteria provided. Collection method: literature only. Allele origin: germline. Not counted in ClinVar's aggregate classification.

Literature cited by the submitters: PubMed 34462534 (cited by Labcorp Genetics (formerly Invitae), Labcorp and OMIM); PubMed 37848450 (cited by Labcorp Genetics (formerly Invitae), Labcorp).

NM_005216.5(DDOST):c.1136G>A (p.Arg379Gln)

Gene: DDOST (dolichyl-diphosphooligosaccharide--protein glycosyltransferase non-catalytic subunit; minus strand). Cytogenetic location: 1p36.12.
Variant type: single nucleotide variant.
Coding change: c.1136G>A on transcript NM_005216.5 (MANE Select); coding-DNA position 1136, G replaced by A.
Protein change: p.Arg379Gln; replaces arginine 379 with glutamine.
Molecular consequence: missense variant.
Genome position (GRCh38, 1-based): chr1:20,652,655, C>T on the plus strand (G>A on the coding strand, the complement: DDOST is on the minus strand). VCF-style: chr1-20652655-C-T. GRCh37 (hg19) VCF-style: chr1-20979148-C-T.
Other names: short protein forms R379Q.
Identifiers: ClinVar variation 295076 (VCV000295076.10), dbSNP rs74526704, ClinGen allele CA661019.
Genomic context (GRCh38, chr1:20,652,655, plus strand): 5'-AAACAGAAGCTGTCACCTGTGCTTACCTGAGTGGAAGAGTACAGGTGTGTGTAGCCTAGC[C>T]GGTTGTAATCCACTTTAAACTGGAATACACCATACACGTCGGGCAACTTGAACTGAACAC-3'
Protein context (NP_005207.3, residues 369-389): GVFQFKVDYN[Arg379Gln]LGYTHLYSST